The following is an entry in ClinVar:

NM_001267550.2(TTN):c.52035_52036insTT (p.Leu17346fs)

Genes: TTN-AS1 (TTN antisense RNA 1; plus strand), TTN (titin; minus strand). Cytogenetic location: 2q31.2.
Variant type: Insertion.
Coding change: c.52035_52036insTT on transcript NM_001267550.2 (MANE Select); coding-DNA positions 52035 to 52036, TT inserted.
Protein change: p.Leu17346fs; shifts the reading frame from leucine 17346.
Molecular consequence: frameshift variant.
Genome position: GRCh38 VCF-style: chr2-178609274-G-GAA. GRCh37 (hg19) VCF-style: chr2-179474001-G-GAA.
Other names: c.47112_47113insTT, p.Leu15705fs (NM_001256850.1); c.24840_24841insTT, p.Leu8281fs (NM_003319.4); c.44331_44332insTT, p.Leu14778fs (NM_133378.4); c.25215_25216insTT, p.Leu8406fs (NM_133432.3); c.25416_25417insTT, p.Leu8473fs (NM_133437.4); c.52035_52036insTT (LRG_391t1); short protein forms L14778fs, L15705fs, L17346fs, L8281fs, L8406fs, L8473fs.
Identifiers: ClinVar variation 223280 (VCV000223280.1), dbSNP rs869312049, ClinGen allele CA353278.
Genomic context (GRCh38, chr2:178,609,274, plus strand): 5'-CACTGACAGTACAAGGAGCTTTTGCAATACCGTGGTCATTTTCAACTTTGATCATATACA[G>GAA]ACCATGGTCAGGTCGGAGAGAATCTCGGACGCGTAGCTGAGATTCTCCCTTTTTGCTGTT-3'

ClinVar aggregate classification (germline): Likely pathogenic (1 of 4 stars; one submission).

Conditions:
Primary dilated cardiomyopathy (DCM). Also called: Dilated Cardiomyopathy. Identifiers: Orphanet 217604, MedGen C0007193, MeSH D002311, MONDO:0005021, HP:0001644. Inheritance: Various modes of inheritance.

Submission:

Cardiovascular Biomedical Research Unit, Royal Brompton & Harefield NHS Foundation Trust
Classification: Likely pathogenic for Primary dilated cardiomyopathy. Last evaluated: 2014-10-08. Review status: criteria provided, single submitter. Criteria: Roberts et al. 2015. Collection method: research. Allele origin: germline. Inheritance: Autosomal dominant inheritance. Affected: yes. Observed: 1 variant allele. Study: Unselected DCM.
Comment: In the seven cohorts assessed, TTNtv were found in 14% of ambulant DCM, 22% end-stage or familial DCM, and 2% controls. Heterozygous nonsense, frameshift and canonical splice-disrupting variants found in constitutive and other highly utilised exons are highly likely to be pathogenic when identified in individuals with phenotypically confirmed DCM. TTNtv found incidentally in healthy individuals (excluding familial assessment of DCM relatives) are thought to have low penetrance, particularly when identified in exons that are not constitutively expressed in the heart.